The following is an entry in ClinVar:

NM_001290043.2(TAP2):c.1161G>A (p.Val387=)

Gene: TAP2 (transporter 2, ATP binding cassette subfamily B member; minus strand). Cytogenetic location: 6p21.32.
Variant type: single nucleotide variant.
Coding change: c.1161G>A on transcript NM_001290043.2 (MANE Select); coding-DNA position 1161, G replaced by A.
Protein change: p.Val387=; no amino-acid change (valine 387 retained).
Molecular consequence: synonymous variant.
Genome position (GRCh38, 1-based): chr6:32,832,444, C>T on the plus strand (G>A on the coding strand, the complement: TAP2 is on the minus strand). VCF-style: chr6-32832444-C-T. GRCh37 (hg19) VCF-style: chr6-32800221-C-T.
Other names: c.1161G>A, p.Val387= (NM_000544.3, NM_018833.3).
Identifiers: ClinVar variation 466365 (VCV000466365.14), dbSNP rs2856992, ClinGen allele CA3745972.

ClinVar aggregate classification (germline): Benign. Review status: criteria provided, multiple submitters, no conflicts (2 of 4 stars). 3 submissions from 3 submitters: Benign (2). 1 of the submissions does not count toward it. Last evaluated 2026-02-02.

Conditions:
TAP2-related disorder. Also called: TAP2-related condition.
MHC class I deficiency. Identifiers: Orphanet 34592, MedGen C6024714, MONDO:0011476.

Allele frequency attached by ClinVar (database versions not stated): 1000 Genomes Project 30x 0.01577; gnomAD 0.02108 and 0.02030; ESP Exome Variant Server 0.02157; TOPMed 0.02325; ExAC 0.01350; gnomAD exomes 0.01450; 1000 Genomes Project 0.01538.

Submissions (3):

Labcorp Genetics (formerly Invitae), Labcorp
Classification: Benign for MHC class I deficiency 1. Last evaluated: 2026-02-02. Review status: criteria provided, single submitter. Criteria: Invitae Variant Classification Sherloc (09022015). Collection method: clinical testing. Allele origin: germline.

Women's Health and Genetics/Laboratory Corporation of America, LabCorp
Classification: Benign. Last evaluated: 2026-01-21. Review status: criteria provided, single submitter. Criteria: LabCorp Variant Classification Summary - May 2015. Collection method: clinical testing. Allele origin: germline.

PreventionGenetics, part of Exact Sciences
Classification: Benign for TAP2-related condition. Last evaluated: 2019-05-09. Review status: no assertion criteria provided. Collection method: clinical testing. Allele origin: germline. Not counted in ClinVar's aggregate classification.
Comment: This variant is classified as benign based on ACMG/AMP sequence variant interpretation guidelines (Richards et al. 2015 PMID: 25741868, with internal and published modifications).